The following is an entry in ClinVar:

NM_001372106.1(DNAH10):c.3602A>G (p.Asn1201Ser)

Gene: DNAH10 (dynein axonemal heavy chain 10; plus strand). Cytogenetic location: 12q24.31.
Variant type: single nucleotide variant.
Coding change: c.3602A>G on transcript NM_001372106.1 (MANE Select); coding-DNA position 3602, A replaced by G.
Protein change: p.Asn1201Ser; replaces asparagine 1201 with serine.
Molecular consequence: missense variant.
Genome position (GRCh38, 1-based): chr12:123,813,621, A>G. VCF-style: chr12-123813621-A-G. GRCh37 (hg19) VCF-style: chr12-124298168-A-G.
Other names: c.3248A>G, p.Asn1083Ser (NM_207437.3); short protein forms N1083S, N1201S.
Identifiers: ClinVar variation 4874433 (VCV004874433.2).

ClinVar aggregate classification (germline): Uncertain significance (1 of 4 stars; one submission).

gnomAD v4.1: 2 of 1,614,144 alleles (0.00012%); highest among the groups gnomAD compares: Non-Finnish European, 0.00017%; no homozygotes.

Submission:

CeGaT Center for Human Genetics Tuebingen
Classification: Uncertain significance. Last evaluated: 2026-05-01. Review status: criteria provided, single submitter. Criteria: CeGaT Center For Human Genetics Tuebingen Variant Classification Criteria Version 2. Collection method: clinical testing. Allele origin: germline. Affected: yes. Observed: 1 variant allele.
Comment: DNAH10: PM2, PP2, BP4